The following is an entry in ClinVar:

NM_000719.7(CACNA1C):c.3717+1_3717+2insA

Gene: CACNA1C (calcium voltage-gated channel subunit alpha1 C; plus strand). Cytogenetic location: 12p13.33.
Variant type: Insertion.
Coding change: c.3717+1_3717+2insA on transcript NM_000719.7 (MANE Select); the canonical splice donor site of the intron after coding-DNA position 3717, A inserted.
Molecular consequence: splice donor variant.
Genome position: GRCh38 VCF-style: chr12-2610700-G-GA. GRCh37 (hg19) VCF-style: chr12-2719866-G-GA.
Other names: c.3717+1_3717+2insA (NM_001167624.3, NM_001167623.2, NM_001167625.2 and 15 more transcripts); c.3777+1_3777+2insA (NM_199460.4, NM_001129827.2, NM_001129832.2); c.3708+1_3708+2insA (NM_001129844.2).
Identifiers: ClinVar variation 432248 (VCV000432248.4), dbSNP rs1555887068, ClinGen allele CA645372906.

ClinVar aggregate classification (germline): Likely pathogenic (1 of 4 stars; one submission).

Submission:

GeneDx
Classification: Likely pathogenic. Last evaluated: 2022-09-12. Review status: criteria provided, single submitter. Criteria: GeneDx Variant Classification Process June 2021. Collection method: clinical testing. Allele origin: germline. Affected: yes.
Comment: Not observed at significant frequency in large population cohorts (gnomAD); Canonical splice site variant expected to result in aberrant splicing, although in the absence of functional evidence the actual effect of this sequence change is unknown; This variant is associated with the following publications: (PMID: 30513141)